The following is an entry in ClinVar:

NM_018958.3(NPAP1):c.80C>G (p.Pro27Arg)

Gene: NPAP1 (nuclear pore associated protein 1; plus strand). Cytogenetic location: 15q11.2.
Variant type: single nucleotide variant.
Coding change: c.80C>G on transcript NM_018958.3 (MANE Select); coding-DNA position 80, C replaced by G.
Protein change: p.Pro27Arg; replaces proline 27 with arginine.
Molecular consequence: missense variant.
Genome position (GRCh38, 1-based): chr15:24,675,947, C>G. VCF-style: chr15-24675947-C-G. GRCh37 (hg19) VCF-style: chr15-24921094-C-G.
Other names: short protein forms P27R.
Identifiers: ClinVar variation 4121911 (VCV004121911.5).

ClinVar aggregate classification (germline): Conflicting classifications of pathogenicity. Review status: criteria provided, conflicting classifications (1 of 4 stars). 2 submissions from 2 submitters: Uncertain significance (1); Likely benign (1). Last evaluated 2026-02-01.

Submissions (2):

CeGaT Center for Human Genetics Tuebingen
Classification: Likely benign. Last evaluated: 2026-02-01. Review status: criteria provided, single submitter. Criteria: CeGaT Center For Human Genetics Tuebingen Variant Classification Criteria Version 2. Collection method: clinical testing. Allele origin: germline. Affected: yes. Observed: 1 variant allele.
Comment: NPAP1: BP4, BS1

Ambry Genetics
Classification: Uncertain significance. Last evaluated: 2025-07-31. Review status: criteria provided, single submitter. Criteria: Ambry Variant Classification Scheme 2023. Collection method: clinical testing. Allele origin: germline.